The following is an entry in ClinVar:

ClinVar aggregate classification (germline): Uncertain significance (1 of 4 stars; one submission).

Submission:

Dasa
Classification: Uncertain significance. Last evaluated: 2026-01-08. Review status: criteria provided, single submitter. Criteria: DASA Assertion Criteria. Collection method: clinical testing. Allele origin: germline.
Comment: NM_000368.5(TSC1):c.1334-145_1334-143del is an intronic variant. This classification is supported by population frequency inconsistent with a disease-causing role. Computational prediction algorithms are consistent with a deleterious effect. The currently available literature and clinical evidence are not sufficient to establish a definitive association between this variant and the reported condition. Therefore, this variant is classified as a variant of uncertain significance.

NM_000368.5(TSC1):c.1334-145_1334-143del

Gene: TSC1 (TSC complex subunit 1; minus strand). Cytogenetic location: 9q34.13.
Variant type: Microsatellite.
Coding change: c.1334-145_1334-143del on transcript NM_000368.5 (MANE Select); 145 bases into the intron before coding-DNA position 1334 through 143 bases into the intron before coding-DNA position 1334, 3 bases deleted (GTA; older notation c.1334-145_1334-143delGTA).
Molecular consequence: intron variant.
Genome position (GRCh38, 1-based): chr9:132,906,978-132,906,980, TAC deleted on the plus strand (GTA on the coding strand, the reverse complement: TSC1 is on the minus strand); deleting any 3 consecutive bases within chr9:132,906,978-132,906,983 gives the same sequence; the c. name uses the placement nearest the transcript's 3' end. VCF-style (leftmost placement, unchanged base first): chr9-132906977-ATAC-A. GRCh37 (hg19) VCF-style: chr9-135782364-ATAC-A.
Other names: c.968-145_968-143del (NM_001406620.1, NM_001406625.1, NM_001406621.1 and 2 more transcripts); c.971-145_971-143del (NM_001406618.1, NM_001406617.1, NM_001406619.1 and 5 more transcripts); c.1178-145_1178-143del (NM_001406613.1, NM_001406612.1, NM_001406611.1); c.1181-145_1181-143del (NM_001406610.1, NM_001162427.2); c.380-145_380-143del (NM_001406627.1, NM_001406628.1); c.281-145_281-143del (NM_001406629.1, NM_001406630.1); c.1331-145_1331-143del (NM_001406603.1, NM_001406609.1, NM_001406597.1 and 6 more transcripts); c.1334-145_1334-143del (NM_001406602.1, NM_001406606.1, NM_001406592.1 and 7 more transcripts); and 1 more.
Identifiers: ClinVar variation 4886317 (VCV004886317.2).